The following is an entry in ClinVar:

ClinVar aggregate classification (germline): Uncertain significance (1 of 4 stars; one submission).

Conditions:
Charcot-Marie-Tooth disease type 4. Also called: Charcot-Marie-Tooth disease, type IV; Charcot-Marie-Tooth, Type 4. Identifiers: Orphanet 64749, MedGen C4082197, MONDO:0018995.

Allele frequency attached by ClinVar (database versions not stated): gnomAD exomes below 0.00001 and 0.00001; ExAC 0.00002.
gnomAD v4.1: 6 of 1,614,214 alleles (0.00037%); highest among the groups gnomAD compares: Admixed American, 0.01%; 1 homozygote.

Submission:

Labcorp Genetics (formerly Invitae), Labcorp
Classification: Uncertain significance for Charcot-Marie-Tooth disease type 4. Last evaluated: 2023-10-13. Review status: criteria provided, single submitter. Criteria: Invitae Variant Classification Sherloc (09022015). Collection method: clinical testing. Allele origin: germline.
Comment: This sequence change replaces leucine, which is neutral and non-polar, with valine, which is neutral and non-polar, at codon 1374 of the SBF2 protein (p.Leu1374Val). This variant is present in population databases (rs746286799, gnomAD 0.006%), including at least one homozygous and/or hemizygous individual. This variant has not been reported in the literature in individuals affected with SBF2-related conditions. ClinVar contains an entry for this variant (Variation ID: 476930). Advanced modeling of protein sequence and biophysical properties (such as structural, functional, and spatial information, amino acid conservation, physicochemical variation, residue mobility, and thermodynamic stability) performed at Invitae indicates that this missense variant is expected to disrupt SBF2 protein function. In summary, the available evidence is currently insufficient to determine the role of this variant in disease. Therefore, it has been classified as a Variant of Uncertain Significance.

NM_030962.4(SBF2):c.4120C>G (p.Leu1374Val)

Gene: SBF2 (SET binding factor 2; minus strand). Cytogenetic location: 11p15.4.
Variant type: single nucleotide variant.
Coding change: c.4120C>G on transcript NM_030962.4 (MANE Select); coding-DNA position 4120, C replaced by G.
Protein change: p.Leu1374Val; replaces leucine 1374 with valine.
Molecular consequence: missense variant.
Genome position (GRCh38, 1-based): chr11:9,812,567, G>C on the plus strand (C>G on the coding strand, the complement: SBF2 is on the minus strand). VCF-style: chr11-9812567-G-C. GRCh37 (hg19) VCF-style: chr11-9834114-G-C.
Other names: c.4216C>G, p.Leu1406Val (NM_001386339.1); c.3991C>G, p.Leu1331Val (NM_001386342.1); short protein forms L1374V, L1331V, L1406V.
Identifiers: ClinVar variation 476930 (VCV000476930.9), dbSNP rs746286799, ClinGen allele CA5881058.